The following is an entry in ClinVar:

ClinVar aggregate classification (germline): Uncertain significance (1 of 4 stars; one submission).

Submission:

GeneDx
Classification: Uncertain significance. Last evaluated: 2017-11-22. Review status: criteria provided, single submitter. Criteria: GeneDx Variant Classification Process June 2021. Collection method: clinical testing. Allele origin: germline. Affected: yes.
Comment: Not observed in large population cohorts (Lek et al., 2016); In silico analyses, including protein predictors and evolutionary conservation, support a deleterious effect; Has not been previously published as pathogenic or benign to our knowledge

NM_031475.3(ESPN):c.2468A>C (p.Gln823Pro)

Gene: ESPN (espin; plus strand). Cytogenetic location: 1p36.31.
Variant type: single nucleotide variant.
Coding change: c.2468A>C on transcript NM_031475.3 (MANE Select); coding-DNA position 2468, A replaced by C.
Protein change: p.Gln823Pro; replaces glutamine 823 with proline.
Molecular consequence: missense variant.
Genome position (GRCh38, 1-based): chr1:6,460,049, A>C. VCF-style: chr1-6460049-A-C. GRCh37 (hg19) VCF-style: chr1-6520109-A-C.
Other names: c.2378A>C, p.Gln793Pro (NM_001367473.1); c.2405A>C, p.Gln802Pro (NM_001367474.1); short protein forms Q793P, Q802P, Q823P.
Identifiers: ClinVar variation 1303602 (VCV001303602.2), dbSNP rs569232864, ClinGen allele CA338103873.